The following is an entry in ClinVar:

NM_001197104.2(KMT2A):c.4696+5C>G

Gene: KMT2A (lysine methyltransferase 2A; plus strand). Cytogenetic location: 11q23.3.
Variant type: single nucleotide variant.
Coding change: c.4696+5C>G on transcript NM_001197104.2 (MANE Select); 5 bases into the intron after coding-DNA position 4696, C replaced by G.
Molecular consequence: intron variant.
Genome position (GRCh38, 1-based): chr11:118,490,254, C>G. VCF-style: chr11-118490254-C-G. GRCh37 (hg19) VCF-style: chr11-118360969-C-G.
Other names: c.4696+5C>G (NM_001197104.1, NM_005933.4).
Identifiers: ClinVar variation 1989623 (VCV001989623.6), dbSNP rs374209348, ClinGen allele CA229531021.
Genomic context (GRCh38, chr11:118,490,254, plus strand): 5'-ACAGTGGTCTCATGATTTCTCACTGTGTCATGATTGCGCCAAGCTCTTTGCTAAAGGTAC[C>G]CAAAAAAGCCAGTTTTGCCAGCTTTCGGAGGTTGTACTTGGTGTTCTGGAGGTGAACTAG-3'

ClinVar aggregate classification (germline): Uncertain significance. Review status: criteria provided, single submitter (1 of 4 stars). 2 submissions from 2 submitters: Uncertain significance (1). 1 of the submissions does not count toward it. Last evaluated 2025-05-24.

Conditions:
KMT2A-related disorder. Also called: KMT2A-related condition.

Allele frequency attached by ClinVar (database versions not stated): TOPMed 0.00002; gnomAD 0.00003; ESP Exome Variant Server 0.00008.
gnomAD v4.1: 45 of 1,541,860 alleles (0.0029%); highest among the groups gnomAD compares: Non-Finnish European, 0.0038%; no homozygotes.

Submissions (2):

Labcorp Genetics (formerly Invitae), Labcorp
Classification: Uncertain significance. Last evaluated: 2025-05-24. Review status: criteria provided, single submitter. Criteria: Invitae Variant Classification Sherloc (09022015). Collection method: clinical testing. Allele origin: germline.
Comment: This sequence change falls in intron 13 of the KMT2A gene. It does not directly change the encoded amino acid sequence of the KMT2A protein. It affects a nucleotide within the consensus splice site. This variant is present in population databases (rs374209348, gnomAD 0.007%). This variant has not been reported in the literature in individuals affected with KMT2A-related conditions. ClinVar contains an entry for this variant (Variation ID: 1989623). Variants that disrupt the consensus splice site are a relatively common cause of aberrant splicing (PMID: 17576681, 9536098). Algorithms developed to predict the effect of sequence changes on RNA splicing suggest that this variant is not likely to affect RNA splicing. In summary, the available evidence is currently insufficient to determine the role of this variant in disease. Therefore, it has been classified as a Variant of Uncertain Significance.

PreventionGenetics, part of Exact Sciences
Classification: Likely benign for KMT2A-related condition. Last evaluated: 2022-07-11. Review status: no assertion criteria provided. Collection method: clinical testing. Allele origin: germline. Not counted in ClinVar's aggregate classification.
Comment: This variant is classified as likely benign based on ACMG/AMP sequence variant interpretation guidelines (Richards et al. 2015 PMID: 25741868, with internal and published modifications).

Literature cited by the submitters: PubMed 17576681 (cited by Labcorp Genetics (formerly Invitae), Labcorp); PubMed 9536098 (cited by Labcorp Genetics (formerly Invitae), Labcorp).